The following is an entry in ClinVar:

NM_001365276.2(TNXB):c.7378G>A (p.Glu2460Lys)

Gene: TNXB (tenascin XB; minus strand). Cytogenetic location: 6p21.33.
Variant type: single nucleotide variant.
Coding change: c.7378G>A on transcript NM_001365276.2 (MANE Select); coding-DNA position 7378, G replaced by A.
Protein change: p.Glu2460Lys; replaces glutamic acid 2460 with lysine.
Molecular consequence: missense variant.
Genome position (GRCh38, 1-based): chr6:32,061,511, C>T on the plus strand (G>A on the coding strand, the complement: TNXB is on the minus strand). VCF-style: chr6-32061511-C-T. GRCh37 (hg19) VCF-style: chr6-32029288-C-T.
Other names: c.7378G>A, p.Glu2460Lys (NM_019105.8); short protein forms E2460K.
Identifiers: ClinVar variation 1758591 (VCV001758591.4), dbSNP rs544370772, ClinGen allele CA3734171.

ClinVar aggregate classification (germline): Uncertain significance. Review status: criteria provided, multiple submitters, no conflicts (2 of 4 stars). 2 submissions from 2 submitters: Uncertain significance (2). Last evaluated 2024-03-04.

Conditions:
Cardiovascular phenotype. Identifiers: MedGen CN230736.

Allele frequency attached by ClinVar (database versions not stated): gnomAD 0.00001; gnomAD exomes 0.00002; TOPMed 0.00002; 1000 Genomes Project 0.00020; ExAC 0.00004; 1000 Genomes Project 30x 0.00016.
gnomAD v4.1: 29 of 1,613,594 alleles (0.0018%); highest among the groups gnomAD compares: South Asian, 0.011%; no homozygotes.

Submissions (2):

Ambry Genetics
Classification: Uncertain significance for Cardiovascular phenotype. Last evaluated: 2024-03-04. Review status: criteria provided, single submitter. Criteria: Ambry Variant Classification Scheme 2023. Collection method: clinical testing. Allele origin: germline.
Comment: The p.E2460K variant (also known as c.7378G>A), located in coding exon 20 of the TNXB gene, results from a G to A substitution at nucleotide position 7378. The glutamic acid at codon 2460 is replaced by lysine, an amino acid with similar properties. This amino acid position is poorly conserved in available vertebrate species. In addition, this alteration is predicted to be tolerated by in silico analysis. Since supporting evidence is limited at this time, the clinical significance of this alteration remains unclear.

GeneDx
Classification: Uncertain significance. Last evaluated: 2024-02-05. Review status: criteria provided, single submitter. Criteria: GeneDx Variant Classification Process June 2021. Collection method: clinical testing. Allele origin: germline.
Comment: Has not been previously published as pathogenic or benign to our knowledge; In silico analysis supports that this missense variant does not alter protein structure/function